The following is an entry in ClinVar:

ClinVar aggregate classification (germline): Likely pathogenic. Review status: criteria provided, single submitter (1 of 4 stars). 3 submissions from 3 submitters: Likely pathogenic (1). 2 of the submissions do not count toward it. Last evaluated 2022-03-17.

Conditions:
Dilated cardiomyopathy 1G (CMD1G). Identifiers: Orphanet 154, MedGen C1858763, MONDO:0011400, OMIM 604145.
Autosomal recessive limb-girdle muscular dystrophy type 2J (LGMDR10). Also called: Limb-girdle muscular dystrophy, type 2J; MUSCULAR DYSTROPHY, LIMB-GIRDLE, AUTOSOMAL RECESSIVE 10. Identifiers: Orphanet 140922, MedGen C1837342, MONDO:0012127, OMIM 608807.

Allele frequency attached by ClinVar (database versions not stated): gnomAD 0.00001; TOPMed 0.00001.
gnomAD v4.1: 1 of 1,613,116 alleles (0.000062%); highest among the groups gnomAD compares: Non-Finnish European, 0.000085%; no homozygotes.

Submissions (3):

Labcorp Genetics (formerly Invitae), Labcorp
Classification: Likely pathogenic for Dilated cardiomyopathy 1G; Autosomal recessive limb-girdle muscular dystrophy type 2J. Last evaluated: 2022-03-17. Review status: criteria provided, single submitter. Criteria: Invitae Variant Classification Sherloc (09022015). Collection method: clinical testing. Allele origin: germline.
Comment: In summary, the currently available evidence indicates that the variant is pathogenic, but additional data are needed to prove that conclusively. Therefore, this variant has been classified as Likely Pathogenic. This variant is located in the A band of TTN (PMID: 25589632). Truncating variants in this region are significantly overrepresented in patients affected with dilated cardiomyopathy (PMID: 25589632). Truncating variants in this region have also been reported in individuals affected with autosomal recessive centronuclear myopathy (PMID: 23975875). ClinVar contains an entry for this variant (Variation ID: 1174926). This variant has not been reported in the literature in individuals affected with TTN-related conditions. The frequency data for this variant in the population databases is considered unreliable, as metrics indicate poor data quality at this position in the gnomAD database. This sequence change creates a premature translational stop signal (p.Trp19126*) in the TTN gene. While this is not anticipated to result in nonsense mediated decay, it is expected to create a truncated TTN protein.

Diagnostic Laboratory, Department of Genetics, University Medical Center Groningen
Classification: Likely pathogenic. Review status: no assertion criteria provided. Collection method: clinical testing. Allele origin: germline. Affected: yes. Study: VKGL Data-share Consensus. Not counted in ClinVar's aggregate classification.

Genome Diagnostics Laboratory, University Medical Center Utrecht
Classification: Likely pathogenic. Review status: no assertion criteria provided. Collection method: clinical testing. Allele origin: germline. Affected: yes. Study: VKGL Data-share Consensus. Not counted in ClinVar's aggregate classification.

Literature cited by the submitters: PubMed 25589632 (cited by Labcorp Genetics (formerly Invitae), Labcorp); PubMed 23975875 (cited by Labcorp Genetics (formerly Invitae), Labcorp).

NM_001267550.2(TTN):c.57378G>A (p.Trp19126Ter)

Genes: TTN-AS1 (TTN antisense RNA 1; plus strand), TTN (titin; minus strand). Cytogenetic location: 2q31.2.
Variant type: single nucleotide variant.
Coding change: c.57378G>A on transcript NM_001267550.2 (MANE Select); coding-DNA position 57378, G replaced by A.
Protein change: p.Trp19126Ter; replaces tryptophan 19126 with a stop codon.
Molecular consequence: nonsense.
Genome position (GRCh38, 1-based): chr2:178,597,704, C>T on the plus strand (G>A on the coding strand, the complement: TTN is on the minus strand). VCF-style: chr2-178597704-C-T. GRCh37 (hg19) VCF-style: chr2-179462431-C-T.
Other names: c.52455G>A, p.Trp17485Ter (NM_001256850.1); c.30183G>A, p.Trp10061Ter (NM_003319.4); c.49674G>A, p.Trp16558Ter (NM_133378.4); c.30558G>A, p.Trp10186Ter (NM_133432.3); c.30759G>A, p.Trp10253Ter (NM_133437.4); short protein forms W10061*, W10186*, W10253*, W16558*, W17485*, W19126*.
Identifiers: ClinVar variation 1174926 (VCV001174926.9), dbSNP rs1192054216, ClinGen allele CA349521123.